The following is an entry in ClinVar:

ClinVar aggregate classification (germline): Likely benign. Review status: criteria provided, multiple submitters, no conflicts (2 of 4 stars). 2 submissions from 2 submitters: Likely benign (2). Last evaluated 2025-11-04.

Conditions:
Muscular dystrophy-dystroglycanopathy (congenital with brain and eye anomalies), type A13. Also called: WALKER-WARBURG SYNDROME OR MUSCLE-EYE-BRAIN DISEASE, B3GNT1-RELATED; Muscular dystrophy-dystroglycanopathy (congenital with brain and eye anomalies), type a, 13. Identifiers: Orphanet 899, MedGen C3809042, MONDO:0014120, OMIM 615287.

Allele frequency attached by ClinVar (database versions not stated): gnomAD 0.00006 and 0.00007; TOPMed 0.00006; gnomAD exomes 0.00007 and 0.00014; ExAC 0.00009.
gnomAD v4.1: 112 of 1,613,710 alleles (0.0069%); highest among the groups gnomAD compares: Non-Finnish European, 0.0023%; no homozygotes.

Submissions (2):

Labcorp Genetics (formerly Invitae), Labcorp
Classification: Likely benign for Muscular dystrophy-dystroglycanopathy (congenital with brain and eye anomalies), type A13. Last evaluated: 2025-11-04. Review status: criteria provided, single submitter. Criteria: Invitae Variant Classification Sherloc (09022015). Collection method: clinical testing. Allele origin: germline.

GeneDx
Classification: Likely benign. Last evaluated: 2016-03-25. Review status: criteria provided, single submitter. Criteria: GeneDx Variant Classification (06012015). Collection method: clinical testing. Allele origin: germline. Affected: yes.
Comment: This variant is considered likely benign or benign based on one or more of the following criteria: it is a conservative change, it occurs at a poorly conserved position in the protein, it is predicted to be benign by multiple in silico algorithms, and/or has population frequency not consistent with disease.

NM_006876.3(B4GAT1):c.1206G>A (p.Gln402=)

Gene: B4GAT1 (beta-1,4-glucuronyltransferase 1; minus strand). Cytogenetic location: 11q13.2.
Variant type: single nucleotide variant.
Coding change: c.1206G>A on transcript NM_006876.3 (MANE Select); coding-DNA position 1206, G replaced by A.
Protein change: p.Gln402=; no amino-acid change (glutamine 402 retained).
Molecular consequence: synonymous variant.
Genome position (GRCh38, 1-based): chr11:66,346,091, C>T on the plus strand (G>A on the coding strand, the complement: B4GAT1 is on the minus strand). VCF-style: chr11-66346091-C-T. GRCh37 (hg19) VCF-style: chr11-66113562-C-T.
Identifiers: ClinVar variation 420656 (VCV000420656.12), dbSNP rs771065781, ClinGen allele CA6120434.